The following is an entry in ClinVar:

ClinVar aggregate classification (germline): Uncertain significance. Review status: criteria provided, multiple submitters, no conflicts (2 of 4 stars). 3 submissions from 3 submitters: Uncertain significance (2). 1 of the submissions does not count toward it. Last evaluated 2023-06-06.

Conditions:
ADGRV1-related disorder. Also called: ADGRV1-related condition; ADGRV1-related disorders.

Submissions (3):

GeneDx
Classification: Uncertain significance. Last evaluated: 2023-06-06. Review status: criteria provided, single submitter. Criteria: GeneDx Variant Classification Process June 2021. Collection method: clinical testing. Allele origin: germline. Affected: yes.
Comment: Not observed at significant frequency in large population cohorts (gnomAD); In silico analysis supports a deleterious effect on splicing; Has not been previously published as pathogenic or benign to our knowledge

Blueprint Genetics
Classification: Uncertain significance. Last evaluated: 2022-11-14. Review status: criteria provided, single submitter. Criteria: ACMG Guidelines, 2015. Collection method: clinical testing. Allele origin: germline.

PreventionGenetics, part of Exact Sciences
Classification: Likely benign for ADGRV1-related condition. Last evaluated: 2019-11-26. Review status: no assertion criteria provided. Collection method: clinical testing. Allele origin: germline. Not counted in ClinVar's aggregate classification.
Comment: This variant is classified as likely benign based on ACMG/AMP sequence variant interpretation guidelines (Richards et al. 2015 PMID: 25741868, with internal and published modifications).

NM_032119.4(ADGRV1):c.13434-12_13434-10del

Gene: ADGRV1 (adhesion G protein-coupled receptor V1; plus strand). Cytogenetic location: 5q14.3.
Variant type: Microsatellite.
Coding change: c.13434-12_13434-10del on transcript NM_032119.4 (MANE Select); 12 bases into the intron before coding-DNA position 13434 through 10 bases into the intron before coding-DNA position 13434, 3 bases deleted (CTT; older notation c.13434-12_13434-10delCTT).
Molecular consequence: intron variant.
Genome position (GRCh38, 1-based): chr5:90,783,826-90,783,828, CTT deleted; deleting any 3 consecutive bases within chr5:90,783,823-90,783,828 gives the same sequence; the c. name uses the placement nearest the transcript's 3' end. VCF-style (leftmost placement, unchanged base first): chr5-90783822-CCTT-C. GRCh37 (hg19) VCF-style: chr5-90079639-CCTT-C.
Identifiers: ClinVar variation 3048575 (VCV003048575.4), dbSNP rs1176092482, ClinGen allele CA561260104.